The following is an entry in ClinVar:

NM_001010867.4(IBA57):c.462C>T (p.His154=)

Gene: IBA57 (iron-sulfur cluster assembly factor IBA57; plus strand). Cytogenetic location: 1q42.13.
Variant type: single nucleotide variant.
Coding change: c.462C>T on transcript NM_001010867.4 (MANE Select); coding-DNA position 462, C replaced by T.
Protein change: p.His154=; no amino-acid change (histidine 154 retained).
Molecular consequence: synonymous variant. On other transcripts: 5 prime UTR variant (1).
Genome position (GRCh38, 1-based): chr1:228,174,812, C>T. VCF-style: chr1-228174812-C-T. GRCh37 (hg19) VCF-style: chr1-228362513-C-T.
Other names: p.His154=; c.-118C>T (NM_001310327.2).
Identifiers: ClinVar variation 381420 (VCV000381420.16), dbSNP rs148398789, ClinGen allele CA1431157.

ClinVar aggregate classification (germline): Benign. Review status: criteria provided, multiple submitters, no conflicts (2 of 4 stars). 5 submissions from 5 submitters: Benign (4). 1 of the submissions does not count toward it. Last evaluated 2026-01-19.

Conditions:
Hereditary spastic paraplegia 74. Also called: Spastic paraplegia 74, autosomal recessive. Identifiers: Orphanet 468661, MedGen C5568837, MONDO:0014644, OMIM 616451.
Multiple mitochondrial dysfunctions syndrome 3 (MMDS3). Identifiers: Orphanet 363424, MedGen C3809165, MONDO:0014132, OMIM 615330.
IBA57-related disorder. Also called: IBA57-related condition.

Allele frequency attached by ClinVar (database versions not stated): 1000 Genomes Project 0.00579; gnomAD 0.00611 and 0.00658; TOPMed 0.00672; ESP Exome Variant Server 0.00709; 1000 Genomes Project 30x 0.00562.
gnomAD v4.1: 1,746 of 1,610,648 alleles (0.11%); highest among the groups gnomAD compares: African/African-American, 2.1%; 20 homozygotes.

Submissions (5):

Labcorp Genetics (formerly Invitae), Labcorp
Classification: Benign for Multiple mitochondrial dysfunctions syndrome 3; Hereditary spastic paraplegia 74. Last evaluated: 2026-01-19. Review status: criteria provided, single submitter. Criteria: Invitae Variant Classification Sherloc (09022015). Collection method: clinical testing. Allele origin: germline.

Mayo Clinic Laboratories, Mayo Clinic
Classification: Benign. Last evaluated: 2025-01-29. Review status: criteria provided, single submitter. Criteria: ACMG Guidelines, 2015. Collection method: clinical testing. Allele origin: germline. Observed: 8 variant alleles.
Comment: BS1, BS2, BP4, BP7

GeneDx
Classification: Benign. Last evaluated: 2016-07-21. Review status: criteria provided, single submitter. Criteria: GeneDx Variant Classification (06012015). Collection method: clinical testing. Allele origin: germline. Affected: yes.
Comment: This variant is considered likely benign or benign based on one or more of the following criteria: it is a conservative change, it occurs at a poorly conserved position in the protein, it is predicted to be benign by multiple in silico algorithms, and/or has population frequency not consistent with disease.

Breakthrough Genomics
Classification: Benign. Review status: criteria provided, single submitter. Criteria: ACMG Guidelines, 2015. Collection method: not provided. Allele origin: germline. Inheritance: Autosomal recessive inheritance. Affected: yes.

PreventionGenetics, part of Exact Sciences
Classification: Benign for IBA57-related condition. Last evaluated: 2019-05-20. Review status: no assertion criteria provided. Collection method: clinical testing. Allele origin: germline. Not counted in ClinVar's aggregate classification.
Comment: This variant is classified as benign based on ACMG/AMP sequence variant interpretation guidelines (Richards et al. 2015 PMID: 25741868, with internal and published modifications).